The following is an entry in ClinVar:

NM_013275.6(ANKRD11):c.3044C>T (p.Pro1015Leu)

Gene: ANKRD11 (ankyrin repeat domain 11; minus strand). Cytogenetic location: 16q24.3.
Variant type: single nucleotide variant.
Coding change: c.3044C>T on transcript NM_013275.6 (MANE Select); coding-DNA position 3044, C replaced by T.
Protein change: p.Pro1015Leu; replaces proline 1015 with leucine.
Molecular consequence: missense variant.
Genome position (GRCh38, 1-based): chr16:89,283,498, G>A on the plus strand (C>T on the coding strand, the complement: ANKRD11 is on the minus strand). VCF-style: chr16-89283498-G-A. GRCh37 (hg19) VCF-style: chr16-89349906-G-A.
Other names: c.3044C>T, p.Pro1015Leu (NM_001256182.2, NM_001256183.2); short protein forms P1015L.
Identifiers: ClinVar variation 1504319 (VCV001504319.10), dbSNP rs200650209, ClinGen allele CA8242441.
Genomic context (GRCh38, chr16:89,283,498, plus strand): 5'-TTGTCACTGGATTTCTCTTTGTATCTTTCTGGTTTTGTCTTCTCCTTCCTTTCCTTATCG[G>A]GGCCATCCTTCTTCTCCTTCTCTCGTGCTGGGTGGTGCCGTTCCCACGGCTCCAGGCCCT-3'
Protein context (NP_037407.4, residues 1005-1025): PAREKEKKDG[Pro1015Leu]DKERKEKTKP

ClinVar aggregate classification (germline): Conflicting classifications of pathogenicity. Review status: criteria provided, conflicting classifications (1 of 4 stars). 3 submissions from 3 submitters: Uncertain significance (2); Likely benign (1). Last evaluated 2024-04-04.

Conditions:
KBG syndrome (KBGS). Also called: ANKRD11-Related KBG Syndrome. Identifiers: Orphanet 2332, MedGen C0220687, MONDO:0007846, OMIM 148050.

Allele frequency attached by ClinVar (database versions not stated): gnomAD 0.00005 and 0.00002; ESP Exome Variant Server 0.00008; 1000 Genomes Project 30x 0.00016; 1000 Genomes Project 0.00020; gnomAD exomes 0.00002; TOPMed 0.00004; ExAC 0.00005.

Submissions (3):

Labcorp Genetics (formerly Invitae), Labcorp
Classification: Uncertain significance for KBG syndrome. Last evaluated: 2024-04-04. Review status: criteria provided, single submitter. Criteria: Invitae Variant Classification Sherloc (09022015). Collection method: clinical testing. Allele origin: germline.
Comment: This sequence change replaces proline, which is neutral and non-polar, with leucine, which is neutral and non-polar, at codon 1015 of the ANKRD11 protein (p.Pro1015Leu). This variant is present in population databases (rs200650209, gnomAD 0.004%). This variant has not been reported in the literature in individuals affected with ANKRD11-related conditions. ClinVar contains an entry for this variant (Variation ID: 1504319). Advanced modeling of protein sequence and biophysical properties (such as structural, functional, and spatial information, amino acid conservation, physicochemical variation, residue mobility, and thermodynamic stability) performed at Invitae indicates that this missense variant is not expected to disrupt ANKRD11 protein function with a negative predictive value of 95%. In summary, the available evidence is currently insufficient to determine the role of this variant in disease. Therefore, it has been classified as a Variant of Uncertain Significance.

Department of Pathology and Laboratory Medicine, Sinai Health System
Classification: Likely benign for KBG syndrome. Last evaluated: 2020-08-17. Review status: criteria provided, single submitter. Criteria: ACMG Guidelines, 2015. Collection method: research. Allele origin: germline.

Breakthrough Genomics
Classification: Uncertain significance. Review status: criteria provided, single submitter. Criteria: ACMG Guidelines, 2015. Collection method: not provided. Allele origin: germline. Inheritance: Autosomal dominant inheritance. Affected: yes.